The following is an entry in ClinVar:

ClinVar aggregate classification (germline): Uncertain significance (1 of 4 stars; one submission).

Submission:

Labcorp Genetics (formerly Invitae), Labcorp
Classification: Uncertain significance. Last evaluated: 2025-07-13. Review status: criteria provided, single submitter. Criteria: Invitae Variant Classification Sherloc (09022015). Collection method: clinical testing. Allele origin: germline.
Comment: This variant occurs in a non-coding region of the ANKRD26 gene. It does not change the encoded amino acid sequence of the ANKRD26 protein. This variant is not present in population databases (gnomAD no frequency). This variant has not been reported in the literature in individuals affected with ANKRD26-related conditions. In summary, the available evidence is currently insufficient to determine the role of this variant in disease. Therefore, it has been classified as a Variant of Uncertain Significance.

NM_014915.3(ANKRD26):c.-75T>C

Gene: ANKRD26 (ankyrin repeat domain 26; minus strand). Cytogenetic location: 10p12.1.
Variant type: single nucleotide variant.
Coding change: c.-75T>C on transcript NM_014915.3 (MANE Select); 75 bases upstream of the start codon, T replaced by C.
Molecular consequence: 5 prime UTR variant.
Genome position (GRCh38, 1-based): chr10:27,100,401, A>G on the plus strand (T>C on the coding strand, the complement: ANKRD26 is on the minus strand). VCF-style: chr10-27100401-A-G. GRCh37 (hg19) VCF-style: chr10-27389330-A-G.
Other names: c.-75T>C (NM_001256053.2).
Identifiers: ClinVar variation 4759555 (VCV004759555.1).